The following is an entry in ClinVar:

ClinVar aggregate classification (germline): Conflicting classifications of pathogenicity. Review status: criteria provided, conflicting classifications (1 of 4 stars). 5 submissions from 5 submitters: Uncertain significance (4); Likely benign (1). Last evaluated 2025-12-17.

Conditions:
Juvenile polyposis syndrome (JPS). Identifiers: Orphanet 2929, MedGen C0345893, MONDO:0017380, OMIM 174900.
Hereditary cancer-predisposing syndrome. Also called: Hereditary neoplastic syndrome; Neoplastic Syndromes, Hereditary; Tumor predisposition; Hereditary Cancer Syndrome. Identifiers: Orphanet 140162, MedGen C0027672, MeSH D009386, MONDO:0015356.
Polyposis syndrome, hereditary mixed, 2. Identifiers: Orphanet 157794, MedGen C1864730, MONDO:0012405, OMIM 610069.

Allele frequency attached by ClinVar (database versions not stated): gnomAD exomes below 0.00001 and 0.00001; TOPMed below 0.00001; gnomAD 0.00001.
gnomAD v4.1: 4 of 1,614,104 alleles (0.00025%); highest among the groups gnomAD compares: East Asian, 0.0022%; no homozygotes.

Submissions (5):

Labcorp Genetics (formerly Invitae), Labcorp
Classification: Uncertain significance for Juvenile polyposis syndrome. Last evaluated: 2025-12-17. Review status: criteria provided, single submitter. Criteria: Invitae Variant Classification Sherloc (09022015). Collection method: clinical testing. Allele origin: germline.
Comment: This sequence change replaces isoleucine, which is neutral and non-polar, with valine, which is neutral and non-polar, at codon 482 of the BMPR1A protein (p.Ile482Val). This variant is present in population databases (no rsID available, gnomAD 0.006%). This variant has not been reported in the literature in individuals affected with BMPR1A-related conditions. ClinVar contains an entry for this variant (Variation ID: 460486). Invitae Evidence Modeling of protein sequence and biophysical properties (such as structural, functional, and spatial information, amino acid conservation, physicochemical variation, residue mobility, and thermodynamic stability) indicates that this missense variant is not expected to disrupt BMPR1A protein function with a negative predictive value of 80%. In summary, the available evidence is currently insufficient to determine the role of this variant in disease. Therefore, it has been classified as a Variant of Uncertain Significance.

Ambry Genetics
Classification: Likely benign for Hereditary cancer-predisposing syndrome. Last evaluated: 2025-12-01. Review status: criteria provided, single submitter. Criteria: Ambry Variant Classification Scheme 2023. Collection method: clinical testing. Allele origin: germline.

Color Diagnostics, LLC DBA Color Health
Classification: Uncertain significance for Hereditary cancer-predisposing syndrome. Last evaluated: 2023-12-05. Review status: criteria provided, single submitter. Criteria: ACMG Guidelines, 2015. Collection method: clinical testing. Allele origin: germline.
Comment: This missense variant replaces isoleucine with valine at codon 482 of the BMPR1A protein. Computational prediction suggests that this variant may not impact protein structure and function (internally defined REVEL score threshold <= 0.5, PMID: 27666373). To our knowledge, functional studies have not been reported for this variant. This variant has not been reported in individuals affected with BMPR1A-related disorders in the literature. This variant has been identified in 2/251494 chromosomes in the general population by the Genome Aggregation Database (gnomAD). The available evidence is insufficient to determine the role of this variant in disease conclusively. Therefore, this variant is classified as a Variant of Uncertain Significance.

Baylor Genetics
Classification: Uncertain significance for Polyposis syndrome, hereditary mixed, 2. Last evaluated: 2023-09-08. Review status: criteria provided, single submitter. Criteria: ACMG Guidelines, 2015. Collection method: clinical testing. Allele origin: unknown.

Women's Health and Genetics/Laboratory Corporation of America, LabCorp
Classification: Uncertain significance. Last evaluated: 2019-05-23. Review status: criteria provided, single submitter. Criteria: LabCorp Variant Classification Summary - May 2015. Collection method: clinical testing. Allele origin: germline.
Comment: Variant summary: BMPR1A c.1444A>G (p.Ile482Val) results in a conservative amino acid change located in the Protein kinase-like domain of the encoded protein sequence. Five of five in-silico tools predict a benign effect of the variant on protein function. The variant allele was found at a frequency of 8e-06 in 251494 control chromosomes (gnomAD). The available data on variant occurrences in the general population are insufficient to allow any conclusion about variant significance. To our knowledge, no occurrence of c.1444A>G in individuals affected with Juvenile Polyposis Syndrome and no experimental evidence demonstrating its impact on protein function have been reported. Two ClinVar submissions from clinical diagnostic laboratories (evaluation after 2014) cites the variant as uncertain significance. Based on the evidence outlined above, the variant was classified as uncertain significance.

NM_004329.3(BMPR1A):c.1444A>G (p.Ile482Val)

Gene: BMPR1A (bone morphogenetic protein receptor type 1A; plus strand). Cytogenetic location: 10q23.2.
Variant type: single nucleotide variant.
Coding change: c.1444A>G on transcript NM_004329.3 (MANE Select); coding-DNA position 1444, A replaced by G.
Protein change: p.Ile482Val; replaces isoleucine 482 with valine.
Molecular consequence: missense variant.
Genome position (GRCh38, 1-based): chr10:86,923,477, A>G. VCF-style: chr10-86923477-A-G. GRCh37 (hg19) VCF-style: chr10-88683234-A-G.
Other names: short protein forms I482V.
Identifiers: ClinVar variation 460486 (VCV000460486.23), dbSNP rs974639091, ClinGen allele CA211211609.
Genomic context (GRCh38, chr10:86,923,477, plus strand): 5'-CCGAGTGATCCGTCATACGAAGATATGCGTGAGGTTGTGTGTGTCAAACGTTTGCGGCCA[A>G]TTGTGTCTAATCGGTGGAACAGTGATGAAGTGAGTGGAACTCAGTCCCCTGAAGAAGTGA-3'
Protein context (NP_004320.2, residues 472-492): EVVCVKRLRP[Ile482Val]VSNRWNSDEC